The following is an entry in ClinVar:

NM_000018.4(ACADVL):c.457G>T (p.Val153Leu)

Gene: ACADVL (acyl-CoA dehydrogenase very long chain; plus strand). Cytogenetic location: 17p13.1.
Variant type: single nucleotide variant.
Coding change: c.457G>T on transcript NM_000018.4 (MANE Select); coding-DNA position 457, G replaced by T.
Protein change: p.Val153Leu; replaces valine 153 with leucine.
Molecular consequence: missense variant.
Genome position (GRCh38, 1-based): chr17:7,221,038, G>T. VCF-style: chr17-7221038-G-T. GRCh37 (hg19) VCF-style: chr17-7124357-G-T.
Other names: c.391G>T, p.Val131Leu (NM_001033859.3); c.526G>T, p.Val176Leu (NM_001270447.2); c.229G>T, p.Val77Leu (NM_001270448.2); short protein forms V153L, V176L, V77L, V131L.
Identifiers: ClinVar variation 1426985 (VCV001426985.4), dbSNP rs894284973, ClinGen allele CA287435466.

ClinVar aggregate classification (germline): Uncertain significance (1 of 4 stars; one submission).

Conditions:
Very long chain acyl-CoA dehydrogenase deficiency (ACADVLD). Also called: VLCAD Deficiency; Very Long-Chain Acyl-Coenzyme A Dehydrogenase Deficiency. Identifiers: Orphanet 26793, MedGen C3887523, MONDO:0008723, OMIM 201475.

Allele frequency attached by ClinVar (database versions not stated): TOPMed below 0.00001; gnomAD exomes 0.00002.
gnomAD v4.1: 5 of 1,613,848 alleles (0.00031%); highest among the groups gnomAD compares: Admixed American, 0.0083%; no homozygotes.

Submission:

Labcorp Genetics (formerly Invitae), Labcorp
Classification: Uncertain significance for Very long chain acyl-CoA dehydrogenase deficiency. Last evaluated: 2021-11-10. Review status: criteria provided, single submitter. Criteria: Invitae Variant Classification Sherloc (09022015). Collection method: clinical testing. Allele origin: germline.
Comment: In summary, the available evidence is currently insufficient to determine the role of this variant in disease. Therefore, it has been classified as a Variant of Uncertain Significance. Algorithms developed to predict the effect of missense changes on protein structure and function output the following: SIFT: "Tolerated"; PolyPhen-2: "Benign"; Align-GVGD: "Class C0". The leucine amino acid residue is found in multiple mammalian species, which suggests that this missense change does not adversely affect protein function. This variant has not been reported in the literature in individuals affected with ACADVL-related conditions. This variant is present in population databases (no rsID available, gnomAD 0.01%). This sequence change replaces valine, which is neutral and non-polar, with leucine, which is neutral and non-polar, at codon 153 of the ACADVL protein (p.Val153Leu).